The following is an entry in ClinVar:

NM_001330360.2(POLA1):c.757A>G (p.Met253Val)

Gene: POLA1 (DNA polymerase alpha 1, catalytic subunit; plus strand). Cytogenetic location: Xp22.11.
Variant type: single nucleotide variant.
Coding change: c.757A>G on transcript NM_001330360.2 (MANE Select); coding-DNA position 757, A replaced by G.
Protein change: p.Met253Val; replaces methionine 253 with valine.
Molecular consequence: missense variant. On other transcripts: non-coding transcript variant (2).
Genome position (GRCh38, 1-based): chrX:24,717,340, A>G. VCF-style: chrX-24717340-A-G. GRCh37 (hg19) VCF-style: chrX-24735457-A-G.
Other names: c.757A>G, p.Met253Val (NM_001378303.1); c.739A>G, p.Met247Val (NM_016937.4); short protein forms M247V, M253V.
Identifiers: ClinVar variation 3684069 (VCV003684069.3).

ClinVar aggregate classification (germline): Uncertain significance. Review status: criteria provided, multiple submitters, no conflicts (2 of 4 stars). 2 submissions from 2 submitters: Uncertain significance (2). Last evaluated 2024-06-09.

gnomAD v4.1: 6 of 1,210,014 alleles (0.0005%); highest among the groups gnomAD compares: Admixed American, 0.0043%; no homozygotes.

Submissions (2):

Labcorp Genetics (formerly Invitae), Labcorp
Classification: Uncertain significance. Last evaluated: 2024-06-09. Review status: criteria provided, single submitter. Criteria: Invitae Variant Classification Sherloc (09022015). Collection method: clinical testing. Allele origin: germline.
Comment: This sequence change replaces methionine, which is neutral and non-polar, with valine, which is neutral and non-polar, at codon 247 of the POLA1 protein (p.Met247Val). This variant is not present in population databases (gnomAD no frequency). This variant has not been reported in the literature in individuals affected with POLA1-related conditions. Advanced modeling of protein sequence and biophysical properties (such as structural, functional, and spatial information, amino acid conservation, physicochemical variation, residue mobility, and thermodynamic stability) performed at Invitae indicates that this missense variant is not expected to disrupt POLA1 protein function with a negative predictive value of 80%. In summary, the available evidence is currently insufficient to determine the role of this variant in disease. Therefore, it has been classified as a Variant of Uncertain Significance.

Blueprint Genetics
Classification: Uncertain significance. Last evaluated: 2022-11-24. Review status: criteria provided, single submitter. Criteria: ACMG Guidelines, 2015. Collection method: clinical testing. Allele origin: germline.